The following is an entry in ClinVar:

ClinVar aggregate classification (germline): Benign. Review status: criteria provided, single submitter (1 of 4 stars). 2 submissions from 1 submitter: Benign (2). Last evaluated 2018-01-12.

Conditions:
Fanconi anemia complementation group B (FANCB). Also called: FANCB-Related Fanconi Anemia; FANCONI PANCYTOPENIA, TYPE 2. Identifiers: Orphanet 84, MedGen C1845292, MONDO:0010351, OMIM 300514.
VACTERL association, X-linked, with or without hydrocephalus (VACTERLX). Also called: VACTERL-H, X-LINKED; VACTERL Association with Hydrocephalus, X-linked; X-linked VACTERL-H syndrome; VACTERL ASSOCIATION, X-LINKED. Identifiers: Orphanet 3412, MedGen C2931228, MONDO:0010752, OMIM 314390.

Allele frequency attached by ClinVar (database versions not stated): gnomAD exomes 0.00055; gnomAD 0.00510 and 0.00525; TOPMed 0.00613; 1000 Genomes Project 0.00821; 1000 Genomes Project 30x 0.00937.
gnomAD v4.1: 1,014 of 843,767 alleles (0.12%); highest among the groups gnomAD compares: African/African-American, 1.8%; 7 homozygotes.

Submissions (2):

Illumina Laboratory Services, Illumina
Classification: Benign for VACTERL association with hydrocephaly, X-linked. Last evaluated: 2018-01-12. Review status: criteria provided, single submitter. Criteria: ICSL Variant Classification Criteria 13 December 2019. Collection method: clinical testing. Allele origin: germline.
Comment: This variant was observed in the ICSL laboratory as part of a predisposition screen in an ostensibly healthy population. It had not been previously curated by ICSL or reported in the Human Gene Mutation Database (HGMD: prior to June 1st, 2018), and was therefore a candidate for classification through an automated scoring system. Utilizing variant allele frequency, disease prevalence and penetrance estimates, and inheritance mode, an automated score was calculated to assess if this variant is too frequent to cause the disease. Based on the score and internal cut-off values, a variant classified as benign is not then subjected to further curation. The score for this variant resulted in a classification of benign for this disease.

Illumina Laboratory Services, Illumina
Classification: Benign for Fanconi anemia complementation group B. Last evaluated: 2018-01-12. Review status: criteria provided, single submitter. Criteria: ICSL Variant Classification Criteria 13 December 2019. Collection method: clinical testing. Allele origin: germline.
Comment: the same text as in the submission from Illumina Laboratory Services, Illumina above.

NM_001018113.3(FANCB):c.*66T>G

Gene: FANCB (FA complementation group B; minus strand). Cytogenetic location: Xp22.2.
Variant type: single nucleotide variant.
Coding change: c.*66T>G on transcript NM_001018113.3 (MANE Select); 66 bases downstream of the stop codon, T replaced by G.
Molecular consequence: 3 prime UTR variant.
Genome position (GRCh38, 1-based): chrX:14,843,501, A>C on the plus strand (T>G on the coding strand, the complement: FANCB is on the minus strand). VCF-style: chrX-14843501-A-C. GRCh37 (hg19) VCF-style: chrX-14861623-A-C.
Other names: c.*66T>G (NM_001324162.2, NM_152633.4).
Identifiers: ClinVar variation 368018 (VCV000368018.5), dbSNP rs143434225, ClinGen allele CA10654273.